The following is an entry in ClinVar:

NM_033004.4(NLRP1):c.2591A>G (p.Asn864Ser)

Gene: NLRP1 (NLR family pyrin domain containing 1; minus strand). Cytogenetic location: 17p13.2.
Variant type: single nucleotide variant.
Coding change: c.2591A>G on transcript NM_033004.4 (MANE Select); coding-DNA position 2591, A replaced by G.
Protein change: p.Asn864Ser; replaces asparagine 864 with serine.
Molecular consequence: missense variant.
Genome position (GRCh38, 1-based): chr17:5,541,965, T>C on the plus strand (A>G on the coding strand, the complement: NLRP1 is on the minus strand). VCF-style: chr17-5541965-T-C. GRCh37 (hg19) VCF-style: chr17-5445285-T-C.
Other names: c.2591A>G, p.Asn864Ser (NM_001033053.3, NM_014922.5, NM_033006.4 and 1 more transcripts); short protein forms N864S.
Identifiers: ClinVar variation 2122533 (VCV002122533.4), dbSNP rs1438342107, ClinGen allele CA397379307.

ClinVar aggregate classification (germline): Uncertain significance (1 of 4 stars; one submission).

Allele frequency attached by ClinVar (database versions not stated): gnomAD 0.00001.
gnomAD v4.1: 1 of 1,613,976 alleles (0.000062%); highest among the groups gnomAD compares: Admixed American, 0.0017%; no homozygotes.

Submission:

Labcorp Genetics (formerly Invitae), Labcorp
Classification: Uncertain significance. Last evaluated: 2022-09-16. Review status: criteria provided, single submitter. Criteria: Invitae Variant Classification Sherloc (09022015). Collection method: clinical testing. Allele origin: germline.
Comment: In summary, the available evidence is currently insufficient to determine the role of this variant in disease. Therefore, it has been classified as a Variant of Uncertain Significance. Algorithms developed to predict the effect of missense changes on protein structure and function output the following: SIFT: "Tolerated"; PolyPhen-2: "Benign"; Align-GVGD: "Class C0". The serine amino acid residue is found in multiple mammalian species, which suggests that this missense change does not adversely affect protein function. This variant has not been reported in the literature in individuals affected with NLRP1-related conditions. This variant is present in population databases (no rsID available, gnomAD 0.003%). This sequence change replaces asparagine, which is neutral and polar, with serine, which is neutral and polar, at codon 864 of the NLRP1 protein (p.Asn864Ser).